The following is an entry in ClinVar:

ClinVar aggregate classification (germline): Benign (0 of 4 stars; one submission).

Conditions:
MUC16-related disorder. Also called: MUC16-related condition.

Allele frequency attached by ClinVar (database versions not stated): 1000 Genomes Project 0.22045; 1000 Genomes Project 30x 0.22626; TOPMed 0.26037; gnomAD 0.26050; ExAC 0.26357; ESP Exome Variant Server 0.26489; gnomAD exomes 0.28803.

Submission:

PreventionGenetics, part of Exact Sciences
Classification: Benign for MUC16-related condition. Last evaluated: 2019-10-30. Review status: no assertion criteria provided. Collection method: clinical testing. Allele origin: germline.
Comment: This variant is classified as benign based on ACMG/AMP sequence variant interpretation guidelines (Richards et al. 2015 PMID: 25741868, with internal and published modifications).

NM_001401501.2(MUC16):c.42258C>T (p.Asp14086=)

Gene: MUC16 (mucin 16, cell surface associated; minus strand). Cytogenetic location: 19p13.2.
Variant type: single nucleotide variant.
Coding change: c.42258C>T on transcript NM_001401501.2 (MANE Select); coding-DNA position 42258, C replaced by T.
Protein change: p.Asp14086=; no amino-acid change (aspartic acid 14086 retained).
Molecular consequence: synonymous variant.
Genome position (GRCh38, 1-based): chr19:8,894,998, G>A on the plus strand (C>T on the coding strand, the complement: MUC16 is on the minus strand). VCF-style: chr19-8894998-G-A. GRCh37 (hg19) VCF-style: chr19-9005674-G-A.
Other names: c.42684C>T, p.Asp14228= (NM_001414686.1); c.42138C>T, p.Asp14046= (NM_001414687.1); c.39732C>T, p.Asp13244= (NM_024690.2).
Identifiers: ClinVar variation 3059543 (VCV003059543.2), dbSNP rs4804091, ClinGen allele CA9163838.
Genomic context (GRCh38, chr19:8,894,998, plus strand): 5'-GTGGGTCAGCTGGCTCAGCTCCCAGTATAGCTGCTGTCTGTCTAGCCCAGGGATTTTGGG[G>A]TCAGGGCGGTGGGTGCAGATGGCGTCCACTCTGGTGGCTACTCCATCCTTCTCAGGCCTG-3'
Protein context (NP_001388430.1, residues 14076-14096): RVDAICTHRP[Asp14086=]PKIPGLDRQQ